The following is an entry in ClinVar:

ClinVar aggregate classification (germline): Uncertain significance (1 of 4 stars; one submission).

Submission:

GeneDx
Classification: Uncertain significance. Last evaluated: 2025-02-03. Review status: criteria provided, single submitter. Criteria: GeneDx Variant Classification Process June 2021. Collection method: clinical testing. Allele origin: germline. Affected: yes.
Comment: Not observed at significant frequency in large population cohorts (gnomAD); In silico analysis supports that this missense variant has a deleterious effect on protein structure/function; Has not been previously published as pathogenic or benign to our knowledge

NM_001371623.1(TCOF1):c.965A>C (p.Lys322Thr)

Gene: TCOF1 (treacle ribosome biogenesis factor 1; plus strand). Cytogenetic location: 5q32.
Variant type: single nucleotide variant.
Coding change: c.965A>C on transcript NM_001371623.1 (MANE Select); coding-DNA position 965, A replaced by C.
Protein change: p.Lys322Thr; replaces lysine 322 with threonine.
Molecular consequence: missense variant.
Genome position (GRCh38, 1-based): chr5:150,374,268, A>C. VCF-style: chr5-150374268-A-C. GRCh37 (hg19) VCF-style: chr5-149753831-A-C.
Other names: c.734A>C, p.Lys245Thr (NM_000356.4, NM_001135245.2, NM_001437406.1); c.965A>C, p.Lys322Thr (NM_001008657.3, NM_001135243.2, NM_001135244.2 and 1 more transcripts); short protein forms K245T, K322T.
Identifiers: ClinVar variation 4074442 (VCV004074442.1).